The following is an entry in ClinVar:

NM_032520.5(GNPTG):c.517G>A (p.Ala173Thr)

Gene: GNPTG (N-acetylglucosamine-1-phosphate transferase subunit gamma; plus strand). Cytogenetic location: 16p13.3.
Variant type: single nucleotide variant.
Coding change: c.517G>A on transcript NM_032520.5 (MANE Select); coding-DNA position 517, G replaced by A.
Protein change: p.Ala173Thr; replaces alanine 173 with threonine.
Molecular consequence: missense variant.
Genome position (GRCh38, 1-based): chr16:1,362,311, G>A. VCF-style: chr16-1362311-G-A. GRCh37 (hg19) VCF-style: chr16-1412312-G-A.
Other names: short protein forms A173T.
Identifiers: ClinVar variation 2162479 (VCV002162479.2), dbSNP rs748204437, ClinGen allele CA7807749.

ClinVar aggregate classification (germline): Uncertain significance. Review status: criteria provided, multiple submitters, no conflicts (2 of 4 stars). 2 submissions from 2 submitters: Uncertain significance (2). Last evaluated 2023-06-28.

Allele frequency attached by ClinVar (database versions not stated): ExAC 0.00001; gnomAD exomes 0.00002; gnomAD 0.00003; TOPMed 0.00003.
gnomAD v4.1: 39 of 1,612,700 alleles (0.0024%); highest among the groups gnomAD compares: South Asian, 0.0033%; no homozygotes.

Submissions (2):

Blueprint Genetics
Classification: Uncertain significance. Last evaluated: 2023-06-28. Review status: criteria provided, single submitter. Criteria: ACMG Guidelines, 2015. Collection method: clinical testing. Allele origin: germline.

Labcorp Genetics (formerly Invitae), Labcorp
Classification: Uncertain significance. Last evaluated: 2022-04-19. Review status: criteria provided, single submitter. Criteria: Invitae Variant Classification Sherloc (09022015). Collection method: clinical testing. Allele origin: germline.
Comment: This sequence change replaces alanine, which is neutral and non-polar, with threonine, which is neutral and polar, at codon 173 of the GNPTG protein (p.Ala173Thr). This variant is present in population databases (rs748204437, gnomAD 0.003%). This variant has not been reported in the literature in individuals affected with GNPTG-related conditions. Algorithms developed to predict the effect of missense changes on protein structure and function (SIFT, PolyPhen-2, Align-GVGD) all suggest that this variant is likely to be tolerated. In summary, the available evidence is currently insufficient to determine the role of this variant in disease. Therefore, it has been classified as a Variant of Uncertain Significance.